The following is an entry in ClinVar:

ClinVar aggregate classification (germline): Uncertain significance. Review status: criteria provided, single submitter (1 of 4 stars). 2 submissions from 2 submitters: Uncertain significance (1). 1 of the submissions does not count toward it. Last evaluated 2022-10-04.

Conditions:
Joubert syndrome 9/15, digenic. Identifiers: MedGen C3280898.
Joubert syndrome 15 (JBTS15). Identifiers: Orphanet 475, MedGen C3280897, MONDO:0013763, OMIM 614464.

Allele frequency attached by ClinVar (database versions not stated): TOPMed 0.00004; gnomAD exomes 0.00008; ExAC 0.00003; gnomAD 0.00004.
gnomAD v4.1: 44 of 1,614,220 alleles (0.0027%); highest among the groups gnomAD compares: East Asian, 0.029%; no homozygotes.

Submissions (2):

Labcorp Genetics (formerly Invitae), Labcorp
Classification: Uncertain significance for Joubert syndrome 15. Last evaluated: 2022-10-04. Review status: criteria provided, single submitter. Criteria: Invitae Variant Classification Sherloc (09022015). Collection method: clinical testing. Allele origin: germline.
Comment: In summary, the available evidence is currently insufficient to determine the role of this variant in disease. Therefore, it has been classified as a Variant of Uncertain Significance. Advanced modeling of protein sequence and biophysical properties (such as structural, functional, and spatial information, amino acid conservation, physicochemical variation, residue mobility, and thermodynamic stability) performed at Invitae indicates that this missense variant is not expected to disrupt CEP41 protein function. ClinVar contains an entry for this variant (Variation ID: 30843). This missense change has been observed in individual(s) with Joubert syndrome (PMID: 22246503). This variant is present in population databases (rs371812716, gnomAD 0.06%). This sequence change replaces arginine, which is basic and polar, with cysteine, which is neutral and slightly polar, at codon 360 of the CEP41 protein (p.Arg360Cys).

OMIM
Classification: Pathogenic for JOUBERT SYNDROME 9/15, DIGENIC. Last evaluated: 2012-01-15. Review status: no assertion criteria provided. Collection method: literature only. Allele origin: germline. Not counted in ClinVar's aggregate classification.

Literature cited by the submitters: PubMed 22246503 (cited by Labcorp Genetics (formerly Invitae), Labcorp and OMIM).

NM_018718.3(CEP41):c.1078C>T (p.Arg360Cys)

Gene: CEP41 (centrosomal protein 41; minus strand). Cytogenetic location: 7q32.2.
Variant type: single nucleotide variant.
Coding change: c.1078C>T on transcript NM_018718.3 (MANE Select); coding-DNA position 1078, C replaced by T.
Protein change: p.Arg360Cys; replaces arginine 360 with cysteine.
Molecular consequence: missense variant. On other transcripts: non-coding transcript variant (1).
Genome position (GRCh38, 1-based): chr7:130,398,935, G>A on the plus strand (C>T on the coding strand, the complement: CEP41 is on the minus strand). VCF-style: chr7-130398935-G-A. GRCh37 (hg19) VCF-style: chr7-130038776-G-A.
Other names: c.862C>T, p.Arg288Cys (NM_001257158.2); c.814C>T, p.Arg272Cys (NM_001257159.2); short protein forms R360C, R272C, R288C.
Identifiers: ClinVar variation 30843 (VCV000030843.8), dbSNP rs371812716, ClinGen allele CA129496.
Genomic context (GRCh38, chr7:130,398,935, plus strand): 5'-AAGTGAGACAAAGTCTTTACTTCCAGGGTTTGCCTTGCAGGTGACCACTGCTGAGGGAGC[G>A]GGGGTTTGAGTGGCTGGCGGGGCCGCCACCTGGCAGATTCTGAGCGCTTCGGGCACCAGG-3'
Protein context (NP_061188.1, residues 350-370): GGGPASHSNP[Arg360Cys]SLSSGHLQGK